The following is an entry in ClinVar:

NM_000075.4(CDK4):c.626G>A (p.Arg209His)

Gene: CDK4 (cyclin dependent kinase 4; minus strand). Cytogenetic location: 12q14.1.
Variant type: single nucleotide variant.
Coding change: c.626G>A on transcript NM_000075.4 (MANE Select); coding-DNA position 626, G replaced by A.
Protein change: p.Arg209His; replaces arginine 209 with histidine.
Molecular consequence: missense variant.
Genome position (GRCh38, 1-based): chr12:57,750,662, C>T on the plus strand (G>A on the coding strand, the complement: CDK4 is on the minus strand). VCF-style: chr12-57750662-C-T. GRCh37 (hg19) VCF-style: chr12-58144445-C-T.
Other names: c.626G>A (NM_000075.2); short protein forms R209H.
Identifiers: ClinVar variation 463472 (VCV000463472.18), dbSNP rs754423955, ClinGen allele CA6657774.

ClinVar aggregate classification (germline): Uncertain significance. Review status: criteria provided, multiple submitters, no conflicts (2 of 4 stars). 5 submissions from 5 submitters: Uncertain significance (5). Last evaluated 2026-07-01.

Conditions:
CDK4-related disorder. Also called: CDK4-related condition.
Hereditary cancer-predisposing syndrome. Also called: Tumor predisposition; Hereditary neoplastic syndrome; Neoplastic Syndromes, Hereditary; Hereditary Cancer Syndrome. Identifiers: Orphanet 140162, MedGen C0027672, MeSH D009386, MONDO:0015356.
Familial melanoma. Also called: Hereditary melanoma; Hereditary cutaneous melanoma. Identifiers: Orphanet 618, MedGen C1512419, MONDO:0018961.

Allele frequency attached by ClinVar (database versions not stated): ExAC 0.00001; gnomAD 0.00001; gnomAD exomes 0.00001; TOPMed 0.00001.
gnomAD v4.1: 23 of 1,611,088 alleles (0.0014%); highest among the groups gnomAD compares: Admixed American, 0.01%; no homozygotes.

Submissions (5):

PreventionGenetics, part of Exact Sciences
Classification: Uncertain significance for CDK4-related condition. Last evaluated: 2026-07-01. Review status: criteria provided, single submitter. Criteria: ACMG Guidelines, 2015. Collection method: clinical testing. Allele origin: germline.
Comment: The CDK4 c.626G>A variant is predicted to result in the amino acid substitution p.Arg209His. To our knowledge this variant has not been reported in individuals with CDK4-related conditions. This variant is reported in 0.0085% of alleles in individuals of Latino descent in gnomAD and is classified as uncertain in ClinVar (Variation ID: 463472). At this time, the clinical significance of this variant is uncertain due to the absence of conclusive functional and genetic evidence.

Labcorp Genetics (formerly Invitae), Labcorp
Classification: Uncertain significance for Familial melanoma. Last evaluated: 2026-01-05. Review status: criteria provided, single submitter. Criteria: Invitae Variant Classification Sherloc (09022015). Collection method: clinical testing. Allele origin: germline.
Comment: This sequence change replaces arginine, which is basic and polar, with histidine, which is basic and polar, at codon 209 of the CDK4 protein (p.Arg209His). This variant is present in population databases (rs754423955, gnomAD 0.006%). This variant has not been reported in the literature in individuals affected with CDK4-related conditions. ClinVar contains an entry for this variant (Variation ID: 463472). Invitae Evidence Modeling of protein sequence and biophysical properties (such as structural, functional, and spatial information, amino acid conservation, physicochemical variation, residue mobility, and thermodynamic stability) indicates that this missense variant is not expected to disrupt CDK4 protein function with a negative predictive value of 95%. In summary, the available evidence is currently insufficient to determine the role of this variant in disease. Therefore, it has been classified as a Variant of Uncertain Significance.

Ambry Genetics
Classification: Uncertain significance for Hereditary cancer-predisposing syndrome. Last evaluated: 2025-04-08. Review status: criteria provided, single submitter. Criteria: Ambry Variant Classification Scheme 2023. Collection method: clinical testing. Allele origin: germline.
Comment: The p.R209H variant (also known as c.626G>A), located in coding exon 4 of the CDK4 gene, results from a G to A substitution at nucleotide position 626. The arginine at codon 209 is replaced by histidine, an amino acid with highly similar properties. This amino acid position is highly conserved in available vertebrate species. In addition, the in silico prediction for this alteration is inconclusive. Since supporting evidence is limited at this time, the clinical significance of this alteration remains unclear.

Quest Diagnostics Nichols Institute San Juan Capistrano
Classification: Uncertain significance. Last evaluated: 2024-09-02. Review status: criteria provided, single submitter. Criteria: Quest Diagnostics criteria. Collection method: clinical testing. Allele origin: unknown.
Comment: The CDK4 c.626G>A (p.Arg209His) variant has been identified in the published literature in a reportedly healthy individual (PMID: 36243179 (2022)). The frequency of this variant in the general population, 0.000085 (3/35440 chromosomes in Admixed American subpopulation (Genome Aggregation Database)), is higher than would generally be expected for pathogenic variants in this gene. Analysis of this variant using bioinformatics tools for the prediction of the effect of amino acid changes on protein structure and function yielded predictions that this variant is benign. Based on the available information, we are unable to determine the clinical significance of this variant.

GeneDx
Classification: Uncertain significance. Last evaluated: 2023-10-25. Review status: criteria provided, single submitter. Criteria: GeneDx Variant Classification Process June 2021. Collection method: clinical testing. Allele origin: germline. Affected: yes.
Comment: Not observed at significant frequency in large population cohorts (gnomAD); In silico analysis supports that this missense variant does not alter protein structure/function; Has not been previously published as pathogenic or benign to our knowledge; This variant is associated with the following publications: (PMID: 36243179)

Literature cited by the submitters: PubMed 36243179 (cited by Quest Diagnostics Nichols Institute San Juan Capistrano).